The following is an entry in ClinVar:

NM_152383.5(DIS3L2):c.2394+6T>C

Gene: DIS3L2 (DIS3 like 3'-5' exoribonuclease 2; plus strand). Cytogenetic location: 2q37.1.
Variant type: single nucleotide variant.
Coding change: c.2394+6T>C on transcript NM_152383.5 (MANE Select); 6 bases into the intron after coding-DNA position 2394, T replaced by C.
Molecular consequence: intron variant.
Genome position (GRCh38, 1-based): chr2:232,334,741, T>C. VCF-style: chr2-232334741-T-C. GRCh37 (hg19) VCF-style: chr2-233199451-T-C.
Other names: c.1582-8604T>C (NM_001257281.2).
Identifiers: ClinVar variation 2169077 (VCV002169077.4), dbSNP rs1695885347, ClinGen allele CA1335215165.

ClinVar aggregate classification (germline): Uncertain significance (1 of 4 stars; one submission).

Conditions:
Perlman syndrome (PRLMNS). Identifiers: Orphanet 2849, MedGen C0796113, MONDO:0009965, OMIM 267000.

Submission:

Labcorp Genetics (formerly Invitae), Labcorp
Classification: Uncertain significance for Perlman syndrome. Last evaluated: 2022-12-04. Review status: criteria provided, single submitter. Criteria: Invitae Variant Classification Sherloc (09022015). Collection method: clinical testing. Allele origin: germline.
Comment: In summary, the available evidence is currently insufficient to determine the role of this variant in disease. Therefore, it has been classified as a Variant of Uncertain Significance. Variants that disrupt the consensus splice site are a relatively common cause of aberrant splicing (PMID: 17576681, 9536098). Algorithms developed to predict the effect of sequence changes on RNA splicing suggest that this variant is not likely to affect RNA splicing. This variant has not been reported in the literature in individuals affected with DIS3L2-related conditions. This variant is not present in population databases (gnomAD no frequency). This sequence change falls in intron 19 of the DIS3L2 gene. It does not directly change the encoded amino acid sequence of the DIS3L2 protein. It affects a nucleotide within the consensus splice site.

Literature cited by the submitters: PubMed 17576681; PubMed 9536098.